The following is an entry in ClinVar:

NM_001244008.2(KIF1A):c.224G>C (p.Arg75Pro)

Gene: KIF1A (kinesin family member 1A; minus strand). Cytogenetic location: 2q37.3.
Variant type: single nucleotide variant.
Coding change: c.224G>C on transcript NM_001244008.2 (MANE Select); coding-DNA position 224, G replaced by C.
Protein change: p.Arg75Pro; replaces arginine 75 with proline.
Molecular consequence: missense variant.
Genome position (GRCh38, 1-based): chr2:240,788,190, C>G on the plus strand (G>C on the coding strand, the complement: KIF1A is on the minus strand). VCF-style: chr2-240788190-C-G. GRCh37 (hg19) VCF-style: chr2-241727607-C-G.
Other names: c.224G>C, p.Arg75Pro (NM_001320705.2, NM_001330289.2, NM_001330290.2 and 20 more transcripts); short protein forms R75P.
Identifiers: ClinVar variation 4043020 (VCV004043020.1).

ClinVar aggregate classification (germline): Uncertain significance (1 of 4 stars; one submission).

Conditions:
Inborn genetic diseases. Identifiers: MedGen C0950123, MeSH D030342.

Submission:

Ambry Genetics
Classification: Uncertain significance for Inborn genetic diseases. Last evaluated: 2025-03-20. Review status: criteria provided, single submitter. Criteria: Ambry Variant Classification Scheme 2023. Collection method: clinical testing. Allele origin: germline.
Comment: The c.224G>C (p.R75P) alteration is located in exon 4 (coding exon 3) of the KIF1A gene. This alteration results from a G to C substitution at nucleotide position 224, causing the arginine (R) at amino acid position 75 to be replaced by a proline (P). This variant was not reported in population-based cohorts in the Genome Aggregation Database (gnomAD). Another variant at the same codon, c.223C>T, (p.R75W), has been identified in the homozygous state in an individual with features consistent with autosomal recessive KIF1A-related spastic paraplegia (Abouelhoda, 2016). The c.223C>T, (p.R75W) variant has also been identified in the heterozygous state in individuals with features consistent with autosomal dominant KIF1A-related neuronal disorder; however these individuals were also found to have additional unrelated clinical features and/or additional genetic variants (Bronson, 2021; Shchubelka, 2024). This amino acid position is not well conserved in available vertebrate species. This missense alteration is located in a region that has a low rate of benign missense variation (Lek, 2016; Firth, 2009). The in silico prediction for this alteration is inconclusive. Based on insufficient or conflicting evidence, the clinical significance of this alteration remains unclear.

Literature cited by the submitters: PubMed 27124789; PubMed 33717719; PubMed 38539105.